The following is an entry in ClinVar:

Conditions:
Arteriohepatic dysplasia. Also called: Alagille Syndrome. Identifiers: Orphanet 52, MedGen C0085280, MeSH D016738, MONDO:0007318.

Submission:

Gilbert/Spinner Lab, Children's Hospital of Philadelphia
No classification provided (evidence only). Condition: Alagille syndrome. Review status: no classification provided. Collection method: research. Allele origin: not applicable. Functional consequence: functionally_abnormal.
ClinVar note: "not provided" was previously submitted as the classification for the variant. However, the classification appeared to be based only on an observation of functional data so it was converted to no classification on 2025-07-30.

NM_000214.3(JAG1):c.534C>A (p.His178Gln)

Gene: JAG1 (jagged canonical Notch ligand 1; minus strand). Cytogenetic location: 20p12.2.
Variant type: single nucleotide variant.
Coding change: c.534C>A on transcript NM_000214.3 (MANE Select); coding-DNA position 534, C replaced by A.
Protein change: p.His178Gln; replaces histidine 178 with glutamine.
Molecular consequence: missense variant.
Genome position (GRCh38, 1-based): chr20:10,658,628, G>T on the plus strand (C>A on the coding strand, the complement: JAG1 is on the minus strand). VCF-style: chr20-10658628-G-T. GRCh37 (hg19) VCF-style: chr20-10639276-G-T.
Other names: short protein forms H178Q.
Identifiers: ClinVar variation 3573051 (VCV003573051.2).